The following is an entry in ClinVar:

ClinVar aggregate classification (germline): Uncertain significance (1 of 4 stars; one submission).

Conditions:
FG syndrome (FGS). Identifiers: MedGen C0220769, MONDO:0002010.

Submission:

Labcorp Genetics (formerly Invitae), Labcorp
Classification: Uncertain significance for FG syndrome. Last evaluated: 2024-06-19. Review status: criteria provided, single submitter. Criteria: Invitae Variant Classification Sherloc (09022015). Collection method: clinical testing. Allele origin: germline.
Comment: This sequence change falls in intron 32 of the MED12 gene. It does not directly change the encoded amino acid sequence of the MED12 protein. It affects a nucleotide within the consensus splice site. This variant is not present in population databases (gnomAD no frequency). This variant has not been reported in the literature in individuals affected with MED12-related conditions. Variants that disrupt the consensus splice site are a relatively common cause of aberrant splicing (PMID: 17576681, 9536098). Algorithms developed to predict the effect of sequence changes on RNA splicing suggest that this variant is not likely to affect RNA splicing. In summary, the available evidence is currently insufficient to determine the role of this variant in disease. Therefore, it has been classified as a Variant of Uncertain Significance.

Literature cited by the submitters: PubMed 17576681; PubMed 9536098.

NM_005120.3(MED12):c.4527+4C>T

Gene: MED12 (mediator complex subunit 12; plus strand). Cytogenetic location: Xq13.1.
Variant type: single nucleotide variant.
Coding change: c.4527+4C>T on transcript NM_005120.3 (MANE Select); 4 bases into the intron after coding-DNA position 4527, C replaced by T.
Molecular consequence: intron variant.
Genome position (GRCh38, 1-based): chrX:71,132,960, C>T. VCF-style: chrX-71132960-C-T. GRCh37 (hg19) VCF-style: chrX-70352810-C-T.
Identifiers: ClinVar variation 3657053 (VCV003657053.2).